The following is an entry in ClinVar:

ClinVar aggregate classification (germline): Likely benign. Review status: criteria provided, multiple submitters, no conflicts (2 of 4 stars). 4 submissions from 4 submitters: Likely benign (3). 1 of the submissions does not count toward it. Last evaluated 2026-07-01.

Conditions:
KCNH1-related disorder. Also called: KCNH1-related disorders; KCNH1-related condition.

Submissions (4):

CeGaT Center for Human Genetics Tuebingen
Classification: Likely benign. Last evaluated: 2026-07-01. Review status: criteria provided, single submitter. Criteria: CeGaT Center For Human Genetics Tuebingen Variant Classification Criteria Version 2. Collection method: clinical testing. Allele origin: germline. Affected: yes. Observed: 2 variant alleles.
Comment: KCNH1: BP4

Labcorp Genetics (formerly Invitae), Labcorp
Classification: Likely benign. Last evaluated: 2025-11-08. Review status: criteria provided, single submitter. Criteria: Invitae Variant Classification Sherloc (09022015). Collection method: clinical testing. Allele origin: germline.

Blueprint Genetics
Classification: Likely benign. Last evaluated: 2024-11-20. Review status: criteria provided, single submitter. Criteria: ACMG Guidelines, 2015. Collection method: clinical testing. Allele origin: germline.

PreventionGenetics, part of Exact Sciences
Classification: Likely benign for KCNH1-related condition. Last evaluated: 2021-10-04. Review status: no assertion criteria provided. Collection method: clinical testing. Allele origin: germline. Not counted in ClinVar's aggregate classification.
Comment: This variant is classified as likely benign based on ACMG/AMP sequence variant interpretation guidelines (Richards et al. 2015 PMID: 25741868, with internal and published modifications).

NM_172362.3(KCNH1):c.2113-21TC[7]

Gene: KCNH1 (potassium voltage-gated channel subfamily H member 1; minus strand). Cytogenetic location: 1q32.2.
Variant type: Microsatellite.
Coding change: c.2113-21TC[7] on transcript NM_172362.3 (MANE Select); seven copies in a row of the 2-base unit TC starting at c.2113-21; the reference has nine copies in a row; two copies, 4 bases deleted.
Molecular consequence: intron variant.
Genome position (GRCh38, 1-based): chr1:210,684,142-210,684,145, GAGA deleted on the plus strand (TCTC on the coding strand, the reverse complement: KCNH1 is on the minus strand); deleting any 4 consecutive bases within chr1:210,684,142-210,684,159 gives the same sequence; the position shown is the placement nearest the transcript's 3' end. VCF-style (leftmost placement, unchanged base first): chr1-210684141-GGAGA-G. GRCh37 (hg19) VCF-style: chr1-210857483-GGAGA-G.
Other names: c.2113-7_2113-4delTCTC (NM_172362.2); c.2032-21TC[7] (NM_002238.4).
Identifiers: ClinVar variation 1554085 (VCV001554085.13), dbSNP rs144706702, ClinGen allele CA1379757.